The following is an entry in ClinVar:

NM_000283.4(PDE6B):c.485C>T (p.Ser162Leu)

Gene: PDE6B (phosphodiesterase 6B; plus strand). Cytogenetic location: 4p16.3.
Variant type: single nucleotide variant.
Coding change: c.485C>T on transcript NM_000283.4 (MANE Select); coding-DNA position 485, C replaced by T.
Protein change: p.Ser162Leu; replaces serine 162 with leucine.
Molecular consequence: missense variant.
Genome position (GRCh38, 1-based): chr4:634,693, C>T. VCF-style: chr4-634693-C-T. GRCh37 (hg19) VCF-style: chr4-628482-C-T.
Other names: c.485C>T, p.Ser162Leu (NM_001145291.2); short protein forms S162L.
Identifiers: ClinVar variation 195056 (VCV000195056.14), dbSNP rs772012465, ClinGen allele CA241322.
Genomic context (GRCh38, chr4:634,693, plus strand): 5'-CACGGTGCGACAGCCTCTTTAGCCTCTTTCCTCTCTTGCGGCAGTGCCCTCACTTCAGCT[C>T]ATTTGCTGACGAGCTCACTGACTACAAGACAAAGAATATGCTGGCCACACCCATCATGAA-3'
Protein context (NP_000274.3, residues 152-172): EDVAECPHFS[Ser162Leu]FADELTDYKT

ClinVar aggregate classification (germline): Uncertain significance. Review status: criteria provided, multiple submitters, no conflicts (2 of 4 stars). 4 submissions from 4 submitters: Uncertain significance (4). Last evaluated 2025-03-24.

Conditions:
Retinal dystrophy. Also called: Inherited retinal dystrophy. Identifiers: Orphanet 71862, MedGen C0854723, MeSH D058499, MONDO:0019118, HP:0000556.

Allele frequency attached by ClinVar (database versions not stated): gnomAD 0.00001; ExAC 0.00002; gnomAD exomes 0.00002; TOPMed 0.00002.
gnomAD v4.1: 25 of 1,612,708 alleles (0.0016%); highest among the groups gnomAD compares: East Asian, 0.038%; no homozygotes.

Submissions (4):

Labcorp Genetics (formerly Invitae), Labcorp
Classification: Uncertain significance. Last evaluated: 2025-03-24. Review status: criteria provided, single submitter. Criteria: Invitae Variant Classification Sherloc (09022015). Collection method: clinical testing. Allele origin: germline.
Comment: This sequence change replaces serine, which is neutral and polar, with leucine, which is neutral and non-polar, at codon 162 of the PDE6B protein (p.Ser162Leu). This variant is present in population databases (rs772012465, gnomAD 0.03%). This variant has not been reported in the literature in individuals affected with PDE6B-related conditions. ClinVar contains an entry for this variant (Variation ID: 195056). Invitae Evidence Modeling of protein sequence and biophysical properties (such as structural, functional, and spatial information, amino acid conservation, physicochemical variation, residue mobility, and thermodynamic stability) indicates that this missense variant is not expected to disrupt PDE6B protein function with a negative predictive value of 80%. In summary, the available evidence is currently insufficient to determine the role of this variant in disease. Therefore, it has been classified as a Variant of Uncertain Significance.

Blueprint Genetics
Classification: Uncertain significance. Last evaluated: 2024-10-09. Review status: criteria provided, single submitter. Criteria: ACMG Guidelines, 2015. Collection method: clinical testing. Allele origin: germline.

Dept Of Ophthalmology, Nagoya University
Classification: Uncertain significance for Retinal dystrophy. Last evaluated: 2023-10-01. Review status: criteria provided, single submitter. Criteria: Submitter's publication. Collection method: research. Allele origin: germline. Affected: yes.

Eurofins Ntd Llc (ga)
Classification: Uncertain significance. Last evaluated: 2014-10-10. Review status: criteria provided, single submitter. Criteria: EGL Classification Definitions 2015. Collection method: clinical testing. Allele origin: germline. Observed: 1 variant allele, 1 heterozygote.